The following is an entry in ClinVar:

NC_000006.11:g.(?_5404755)_(5545593_?)del

Gene: FARS2 (phenylalanyl-tRNA synthetase 2, mitochondrial; plus strand). Cytogenetic location: 6p25.1.
Variant type: Deletion.
Identifiers: ClinVar variation 2425607 (VCV002425607.4).

ClinVar aggregate classification (germline): Pathogenic (1 of 4 stars; one submission).

Conditions:
Combined oxidative phosphorylation defect type 14. Also called: Combined oxidative phosphorylation deficiency 14. Identifiers: Orphanet 319519, MedGen C4755312, MONDO:0013986, OMIM 614946.

Submission:

Labcorp Genetics (formerly Invitae), Labcorp
Classification: Pathogenic for Combined oxidative phosphorylation defect type 14. Last evaluated: 2023-06-05. Review status: criteria provided, single submitter. Criteria: Invitae Variant Classification Sherloc (09022015). Collection method: clinical testing. Allele origin: germline.
Comment: For these reasons, this variant has been classified as Pathogenic. This variant disrupts a region of the FARS2 protein in which other variant(s) (p.Gly309Ser) have been determined to be pathogenic (PMID: 28043061, 28419689). This suggests that this is a clinically significant region of the protein, and that variants that disrupt it are likely to be disease-causing. This variant has not been reported in the literature in individuals affected with FARS2-related conditions. This variant is a gross deletion of the genomic region encompassing exon(s) 3-5 of the FARS2 gene. This variant would be expected to be in-frame, preserving the integrity of the reading frame.

Literature cited by the submitters: PubMed 28043061; PubMed 28419689.